The following is an entry in ClinVar:

NM_033022.4(RPS24):c.3+15G>A

Genes: RPS24 (ribosomal protein S24; plus strand), LOC130004144 (ATAC-STARR-seq lymphoblastoid active region 3613; plus strand). Cytogenetic location: 10q22.3.
Variant type: single nucleotide variant.
Coding change: c.3+15G>A on transcript NM_033022.4 (MANE Select); 15 bases into the intron after coding-DNA position 3, G replaced by A.
Molecular consequence: intron variant.
Genome position (GRCh38, 1-based): chr10:78,033,919, G>A. VCF-style: chr10-78033919-G-A. GRCh37 (hg19) VCF-style: chr10-79793677-G-A.
Other names: c.3+15G>A (NM_001142285.2, NM_001142283.2, NM_001142282.2 and 2 more transcripts).
Identifiers: ClinVar variation 878476 (VCV000878476.4), dbSNP rs764832484, ClinGen allele CA5571887.
Genomic context (GRCh38, chr10:78,033,919, plus strand): 5'-GGTTCTCTTTTCCTCCTTGGCTGTCTGAAGATAGATCGCCATCATGGTGAGTCTCCCTGG[G>A]CCCGTGCAGTCATCTGCCGCGTATCCGAGCCATCCGTGGTCCCTGGGTCCCAGTACTTGA-3'

ClinVar aggregate classification (germline): Likely benign (1 of 4 stars; one submission).

Conditions:
Diamond-Blackfan anemia 3 (DBA3). Also called: RPS24-Related Diamond-Blackfan Anemia. Identifiers: Orphanet 124, MedGen C1857719, MONDO:0012529, OMIM 610629.

Allele frequency attached by ClinVar (database versions not stated): TOPMed 0.00001.
gnomAD v4.1: 29 of 1,613,866 alleles (0.0018%); highest among the groups gnomAD compares: Non-Finnish European, 0.002%; no homozygotes.

Submission:

Illumina Laboratory Services, Illumina
Classification: Likely benign for Diamond-Blackfan anemia 3. Last evaluated: 2018-01-13. Review status: criteria provided, single submitter. Criteria: ICSL Variant Classification Criteria 13 December 2019. Collection method: clinical testing. Allele origin: germline.
Comment: This variant was observed in the ICSL laboratory as part of a predisposition screen in an ostensibly healthy population. It had not been previously curated by ICSL or reported in the Human Gene Mutation Database (HGMD: prior to June 1st, 2018), and was therefore a candidate for classification through an automated scoring system. Utilizing variant allele frequency, disease prevalence and penetrance estimates, and inheritance mode, an automated score was calculated to assess if this variant is too frequent to cause the disease. Based on the score and internal cut-off values, a variant classified as likely benign is not then subjected to further curation. The score for this variant resulted in a classification of likely benign for this disease.